The following is an entry in ClinVar:

ClinVar aggregate classification (germline): Uncertain significance. Review status: criteria provided, multiple submitters, no conflicts (2 of 4 stars). 2 submissions from 2 submitters: Uncertain significance (2). Last evaluated 2026-03-18.

Conditions:
Bardet-Biedl syndrome (BBS). Identifiers: Orphanet 110, MedGen C0752166, MONDO:0015229.
TTC8-related disorder. Also called: TTC8-related condition.

Allele frequency attached by ClinVar (database versions not stated): TOPMed below 0.00001; gnomAD 0.00001.
gnomAD v4.1: 2 of 1,611,892 alleles (0.00012%); highest among the groups gnomAD compares: African/African-American, 0.0013%; no homozygotes.

Submissions (2):

PreventionGenetics, part of Exact Sciences
Classification: Uncertain significance for TTC8-related condition. Last evaluated: 2026-03-18. Review status: criteria provided, single submitter. Criteria: ACMG Guidelines, 2015. Collection method: clinical testing. Allele origin: germline.
Comment: The TTC8 c.1544T>C variant is predicted to result in the amino acid substitution p.Leu515Pro. To our knowledge, this variant has not been reported in the literature or in a large population database (gnomAD), indicating this variant is rare. At this time, the clinical significance of this variant is uncertain due to the absence of conclusive functional and genetic evidence.

Labcorp Genetics (formerly Invitae), Labcorp
Classification: Uncertain significance for Bardet-Biedl syndrome. Last evaluated: 2022-07-05. Review status: criteria provided, single submitter. Criteria: Invitae Variant Classification Sherloc (09022015). Collection method: clinical testing. Allele origin: germline.
Comment: This sequence change replaces leucine, which is neutral and non-polar, with proline, which is neutral and non-polar, at codon 505 of the TTC8 protein (p.Leu505Pro). In summary, the available evidence is currently insufficient to determine the role of this variant in disease. Therefore, it has been classified as a Variant of Uncertain Significance. Algorithms developed to predict the effect of missense changes on protein structure and function are either unavailable or do not agree on the potential impact of this missense change (SIFT: "Deleterious"; PolyPhen-2: "Probably Damaging"; Align-GVGD: "Class C0"). ClinVar contains an entry for this variant (Variation ID: 1047590). This variant has not been reported in the literature in individuals affected with TTC8-related conditions. This variant is not present in population databases (gnomAD no frequency).

NM_144596.4(TTC8):c.1544T>C (p.Leu515Pro)

Gene: TTC8 (tetratricopeptide repeat domain 8; plus strand). Cytogenetic location: 14q31.3.
Variant type: single nucleotide variant.
Coding change: c.1544T>C on transcript NM_144596.4 (MANE Select); coding-DNA position 1544, T replaced by C.
Protein change: p.Leu515Pro; replaces leucine 515 with proline.
Molecular consequence: missense variant. On other transcripts: non-coding transcript variant (1).
Genome position (GRCh38, 1-based): chr14:88,877,406, T>C. VCF-style: chr14-88877406-T-C. GRCh37 (hg19) VCF-style: chr14-89343750-T-C.
Other names: c.1592T>C, p.Leu531Pro (NM_001288781.1); c.950T>C, p.Leu317Pro (NM_001288782.1); c.827T>C, p.Leu276Pro (NM_001288783.1); c.1430T>C, p.Leu477Pro (NM_001366535.2); c.1340T>C, p.Leu447Pro (NM_001366536.2); c.1514T>C, p.Leu505Pro (NM_198309.3); c.1424T>C, p.Leu475Pro (NM_198310.3); c.1544T>C (NM_144596.3); short protein forms L317P, L477P, L515P, L447P, L475P, L276P, L505P, L531P.
Identifiers: ClinVar variation 1047590 (VCV001047590.7), dbSNP rs2094961758, ClinGen allele CA390555734.